The following is an entry in ClinVar:

ClinVar aggregate classification (germline): Uncertain significance. Review status: criteria provided, multiple submitters, no conflicts (2 of 4 stars). 3 submissions from 3 submitters: Uncertain significance (2). 1 of the submissions does not count toward it. Last evaluated 2026-01-16.

Conditions:
Intellectual disability. Also called: intellectual disabilities; Intellectual developmental disorder; Intellectual functioning disability. Identifiers: MedGen C3714756, MeSH D008607, MONDO:0001071, HP:0001249.

Allele frequency attached by ClinVar (database versions not stated): gnomAD exomes 0.00003 and 0.00004; gnomAD 0.00011 and 0.00013; TOPMed 0.00006; ESP Exome Variant Server 0.00008; ExAC 0.00003.
gnomAD v4.1: 57 of 1,613,748 alleles (0.0035%); highest among the groups gnomAD compares: African/African-American, 0.019%; no homozygotes.

Submissions (3):

Dasa
Classification: Uncertain significance. Last evaluated: 2026-01-16. Review status: criteria provided, single submitter. Criteria: DASA Assertion Criteria. Collection method: clinical testing. Allele origin: germline.
Comment: NM_015080.4(NRXN2):c.4985A>G (p.Asn1662Ser) is a missense variant that results in the substitution of asparagine with serine. This variant is rare in population databases. The currently available literature and clinical evidence are not sufficient to establish a definitive association between this variant and the reported condition. Therefore, this variant is classified as a variant of uncertain significance.

Ambry Genetics
Classification: Uncertain significance. Last evaluated: 2025-05-01. Review status: criteria provided, single submitter. Criteria: Ambry Variant Classification Scheme 2023. Collection method: clinical testing. Allele origin: germline.

Centre de Biologie Pathologie Génétique, Centre Hospitalier Universitaire de Lille
Classification: Likely benign for Intellectual disability. Last evaluated: 2019-01-01. Review status: no assertion criteria provided. Collection method: clinical testing. Allele origin: inherited. Affected: yes. Not counted in ClinVar's aggregate classification.

NM_015080.4(NRXN2):c.4985A>G (p.Asn1662Ser)

Gene: NRXN2 (neurexin 2; minus strand). Cytogenetic location: 11q13.1.
Variant type: single nucleotide variant.
Coding change: c.4985A>G on transcript NM_015080.4 (MANE Select); coding-DNA position 4985, A replaced by G.
Protein change: p.Asn1662Ser; replaces asparagine 1662 with serine.
Molecular consequence: missense variant.
Genome position (GRCh38, 1-based): chr11:64,607,350, T>C on the plus strand (A>G on the coding strand, the complement: NRXN2 is on the minus strand). VCF-style: chr11-64607350-T-C. GRCh37 (hg19) VCF-style: chr11-64374822-T-C.
Other names: c.4985A>G (NM_015080.3); c.4403A>G, p.Asn1468Ser (NM_001376262.1); c.4382A>G, p.Asn1461Ser (NM_001376263.1); c.4358A>G, p.Asn1453Ser (NM_001376265.1); c.4379A>G, p.Asn1460Ser (NM_001376266.1); c.4292A>G, p.Asn1431Ser (NM_001376267.1); c.4775A>G, p.Asn1592Ser (NM_138732.3); c.1847A>G, p.Asn616Ser (NM_138734.3); short protein forms N1431S, N1453S, N1460S, N1461S, N1468S, N1592S, N1662S, N616S.
Identifiers: ClinVar variation 975307 (VCV000975307.6), dbSNP rs149386596, ClinGen allele CA6077576.
Genomic context (GRCh38, chr11:64,607,350, plus strand): 5'-TGGGCCGAGTTACTGATGTAGTTTCGGCTCTGGTCCACCTGGTAGGAGCCCTCATCACGA[T>C]TGCGGTACTTATACATGGCGTAGAGGAGGATGAGGATGCAGAGCGCCGCCGCCGCCACAA-3'
Protein context (NP_055895.1, residues 1652-1672): ILLYAMYKYR[Asn1662Ser]RDEGSYQVDQ